The following is an entry in ClinVar:

ClinVar aggregate classification (germline): Uncertain significance (1 of 4 stars; one submission).

Submission:

Ambry Genetics
Classification: Uncertain significance. Last evaluated: 2022-10-09. Review status: criteria provided, single submitter. Criteria: Ambry Variant Classification Scheme 2023. Collection method: clinical testing. Allele origin: germline.
Comment: The p.R3696S variant (also known as c.11088A>C), located in coding exon 77 of the PRKDC gene, results from an A to C substitution at nucleotide position 11088. The arginine at codon 3696 is replaced by serine, an amino acid with dissimilar properties. This amino acid position is conserved. In addition, this alteration is predicted to be tolerated by in silico analysis. Since supporting evidence is limited at this time, the clinical significance of this alteration remains unclear.

NM_006904.7(PRKDC):c.11088A>C (p.Arg3696Ser)

Gene: PRKDC (protein kinase, DNA-activated, catalytic subunit; minus strand). Cytogenetic location: 8q11.21.
Variant type: single nucleotide variant.
Coding change: c.11088A>C on transcript NM_006904.7 (MANE Select); coding-DNA position 11088, A replaced by C.
Protein change: p.Arg3696Ser; replaces arginine 3696 with serine.
Molecular consequence: missense variant.
Genome position (GRCh38, 1-based): chr8:47,785,132, T>G on the plus strand (A>C on the coding strand, the complement: PRKDC is on the minus strand). VCF-style: chr8-47785132-T-G. GRCh37 (hg19) VCF-style: chr8-48697693-T-G.
Other names: c.11088A>C, p.Arg3696Ser (NM_001081640.2); short protein forms R3696S.
Identifiers: ClinVar variation 1794159 (VCV001794159.2), dbSNP rs2551860881, ClinGen allele CA371130857.
Genomic context (GRCh38, chr8:47,785,132, plus strand): 5'-TCCTGACAGTACAGTTTTGTCACCCCTGGAGGTTAACTCACCGGGAATCTCCAGCTCATT[T>G]CTCAGGAACTCCACTTTGAAGTCGCTCATCCAGGGTGAACATTCTTTCAGATTCCCAGGG-3'
Protein context (NP_008835.5, residues 3686-3706): WMSDFKVEFL[Arg3696Ser]NELEIPGQYD